The following is an entry in ClinVar:

ClinVar aggregate classification (germline): Conflicting classifications of pathogenicity. Review status: criteria provided, conflicting classifications (1 of 4 stars). 5 submissions from 5 submitters: Likely pathogenic (3); Uncertain significance (2). Last evaluated 2024-06-13.

Conditions:
LARP7-related disorder. Also called: LARP7-related condition.
Inborn genetic diseases. Identifiers: MedGen C0950123, MeSH D030342.
Microcephalic primordial dwarfism, Alazami type. Also called: FACIAL DYSMORPHISM, INTELLECTUAL DISABILITY, AND PRIMORDIAL DWARFISM; Alazami syndrome. Identifiers: Orphanet 319671, MedGen C3554439, MONDO:0014031, OMIM 615071.

Allele frequency attached by ClinVar (database versions not stated): gnomAD 0.00001; TOPMed 0.00003; gnomAD exomes 0.00006 and 0.00009; ExAC 0.00016.
gnomAD v4.1: 90 of 1,596,334 alleles (0.0056%); highest among the groups gnomAD compares: Non-Finnish European, 0.0064%; no homozygotes.

Submissions (5):

Ambry Genetics
Classification: Uncertain significance for Inborn genetic diseases. Last evaluated: 2024-06-13. Review status: criteria provided, single submitter. Criteria: Ambry Variant Classification Scheme 2023. Collection method: clinical testing. Allele origin: germline.
Comment: The c.552+1G>T intronic variant results from a G to T substitution one nucleotide after exon 5 (coding exon 4) of the LARP7 gene. Alterations that disrupt the canonical splice site are expected to result in aberrant splicing. The resulting transcript is predicted to be in-frame and is not expected to trigger nonsense-mediated mRNA decay; however, direct evidence is unavailable. The exact functional effect of the altered amino acid sequence is unknown. Based on data from gnomAD, the T allele has an overall frequency of 0.009% (21/232012) total alleles studied. The highest observed frequency was 0.019% (20/108012) of European (non-Finnish) alleles. This nucleotide position is highly conserved in available vertebrate species. In silico splice site analysis predicts that this alteration will weaken the native splice donor site and may result in the creation or strengthening of a novel splice donor site. Based on insufficient or conflicting evidence, the clinical significance of this alteration remains unclear.

Blueprint Genetics
Classification: Likely pathogenic for LARP7-related disorders. Last evaluated: 2021-12-08. Review status: criteria provided, single submitter. Criteria: ACMG Guidelines, 2015. Collection method: clinical testing. Allele origin: germline. Affected: yes. Observed: 2 variant alleles.

Revvity Omics, Revvity
Classification: Likely pathogenic for Microcephalic primordial dwarfism, Alazami type. Last evaluated: 2020-11-19. Review status: criteria provided, single submitter. Criteria: ACMG Guidelines, 2015. Collection method: clinical testing. Allele origin: germline.

GeneDx
Classification: Uncertain significance. Last evaluated: 2019-07-13. Review status: criteria provided, single submitter. Criteria: GeneDx Variant Classification Process June 2021. Collection method: clinical testing. Allele origin: germline. Affected: yes.
Comment: Canonical splice site variant predicted to result in an in-frame deletion of a critical region; Has not been previously published as pathogenic or benign to our knowledge

Center for Pediatric Genomic Medicine, Children's Mercy Hospital and Clinics
Classification: Likely pathogenic. Last evaluated: 2017-02-10. Review status: criteria provided, single submitter. Criteria: ACMG Guidelines, 2015. Collection method: clinical testing. Allele origin: germline.

NM_016648.4(LARP7):c.552+1G>T

Genes: LARP7 (La ribonucleoprotein 7, transcriptional regulator; plus strand), MIR302CHG (miR-302/367 cluster host gene; minus strand). Cytogenetic location: 4q25.
Variant type: single nucleotide variant.
Coding change: c.552+1G>T on transcript NM_016648.4 (MANE Select); the canonical splice donor site of the intron after coding-DNA position 552, G replaced by T.
Molecular consequence: splice donor variant. On other transcripts: non-coding transcript variant (3).
Genome position (GRCh38, 1-based): chr4:112,646,956, G>T. VCF-style: chr4-112646956-G-T. GRCh37 (hg19) VCF-style: chr4-113568112-G-T.
Other names: c.552+1G>T (NM_016648.2, NM_001267039.4, NM_001370974.1 and 7 more transcripts); c.315+1G>T (NM_001370982.1, NM_001370981.1).
Identifiers: ClinVar variation 377284 (VCV000377284.12), dbSNP rs200544616, ClinGen allele CA3049122.